The following is an entry in ClinVar:

NM_000255.4(MMUT):c.1207C>T (p.Arg403Ter)

Gene: MMUT (methylmalonyl-CoA mutase; minus strand). Cytogenetic location: 6p12.3.
Variant type: single nucleotide variant.
Coding change: c.1207C>T on transcript NM_000255.4 (MANE Select); coding-DNA position 1207, C replaced by T.
Protein change: p.Arg403Ter; replaces arginine 403 with a stop codon.
Molecular consequence: nonsense.
Genome position (GRCh38, 1-based): chr6:49,451,591, G>A on the plus strand (C>T on the coding strand, the complement: MMUT is on the minus strand). VCF-style: chr6-49451591-G-A. GRCh37 (hg19) VCF-style: chr6-49419304-G-A.
Other names: short protein forms R403*.
Identifiers: ClinVar variation 167310 (VCV000167310.59), dbSNP rs727504020, ClinGen allele CA234287.

ClinVar aggregate classification (germline): Pathogenic. Review status: criteria provided, multiple submitters, no conflicts (2 of 4 stars). 10 submissions from 10 submitters: Pathogenic (9). 1 of the submissions does not count toward it. Last evaluated 2025-10-21.

Conditions:
Likely inborn error of metabolism.
Methylmalonic aciduria due to complete methylmalonyl-CoA mutase deficiency.
Methylmalonic acidemia (MMA). Also called: Isolated Methylmalonic Acidemia. Identifiers: MedGen C0268583, MeSH C537358, MONDO:0002012, HP:0002912.
Methylmalonic aciduria due to methylmalonyl-CoA mutase deficiency (MAMM). Also called: Methylmalonic aciduria, mut type. Identifiers: Orphanet 27, MedGen C1855114, MONDO:0009612, OMIM 251000.

Allele frequency attached by ClinVar (database versions not stated): gnomAD 0.00004 and 0.00005; TOPMed 0.00005.

Submissions (10):

NHS Central & South Genomic Laboratory Hub
Classification: Pathogenic for Likely inborn error of metabolism. Last evaluated: 2025-10-21. Review status: criteria provided, single submitter. Criteria: ACMG Guidelines, 2015. Collection method: clinical testing. Allele origin: germline. Affected: yes.

Natera, Inc.
Classification: Pathogenic for Methylmalonic aciduria due to complete methylmalonyl-CoA mutase deficiency. Last evaluated: 2025-08-06. Review status: criteria provided, single submitter. Criteria: Natera Variant Classification Schema (03/2026). Collection method: clinical testing. Allele origin: germline.
Comment: The c.1207C>T variant in MMUT is a nonsense variant predicted to introduce a stop codon at amino acid 403. This variant is expected to result in nonsense mediated decay, truncation, or a dysfunctional protein product. This variant is rare in the general population with a frequency below the threshold expected for the associated phenotype(s). This variant has been observed in one or more individuals affected with the associated recessive disease, as either homozygous or compound heterozygous with a second variant (PMID: 16281286). Given the available evidence, this variant is classified as Pathogenic.

Labcorp Genetics (formerly Invitae), Labcorp
Classification: Pathogenic. Last evaluated: 2025-01-19. Review status: criteria provided, single submitter. Criteria: Invitae Variant Classification Sherloc (09022015). Collection method: clinical testing. Allele origin: germline.
Comment: This sequence change creates a premature translational stop signal (p.Arg403*) in the MUT gene. It is expected to result in an absent or disrupted protein product. Loss-of-function variants in MUT are known to be pathogenic (PMID: 15781192). This variant is present in population databases (rs727504020, gnomAD 0.02%). This premature translational stop signal has been observed in individuals with MUT-related conditions (PMID: 12402345, 17113806, 26790480, 27167370, 27233228). ClinVar contains an entry for this variant (Variation ID: 167310). For these reasons, this variant has been classified as Pathogenic.

GeneDx
Classification: Pathogenic. Last evaluated: 2022-09-26. Review status: criteria provided, single submitter. Criteria: GeneDx Variant Classification Process June 2021. Collection method: clinical testing. Allele origin: germline. Affected: yes.
Comment: A mouse model carrying the equivalent variant, in the homozygous state, in murine MUT had features which mimicked human methylmalonic acidemia (Buck et al., 2012).; Nonsense variant predicted to result in protein truncation or nonsense mediated decay in a gene for which loss-of-function is a known mechanism of disease; This variant is associated with the following publications: (PMID: 17113806, 26790480, 27233228, 23024777, 25525159, 12402345, 27167370, 31622506, 35361390, 33413471)

Fulgent Genetics
Classification: Pathogenic for Methylmalonic aciduria due to methylmalonyl-CoA mutase deficiency. Last evaluated: 2022-03-28. Review status: criteria provided, single submitter. Criteria: ACMG Guidelines, 2015. Collection method: clinical testing. Allele origin: unknown.

CeGaT Center for Human Genetics Tuebingen
Classification: Pathogenic. Last evaluated: 2021-11-01. Review status: criteria provided, single submitter. Criteria: CeGaT Center For Human Genetics Tuebingen Variant Classification Criteria Version 2. Collection method: clinical testing. Allele origin: germline. Affected: yes. Observed: 2 variant alleles.

Women's Health and Genetics/Laboratory Corporation of America, LabCorp
Classification: Pathogenic for Methylmalonic acidemia. Last evaluated: 2019-12-26. Review status: criteria provided, single submitter. Criteria: LabCorp Variant Classification Summary - May 2015. Collection method: clinical testing. Allele origin: germline.
Comment: Variant summary: MUT c.1207C>T (p.Arg403X) results in a premature termination codon, predicted to cause a truncation of the encoded protein or absence of the protein due to nonsense mediated decay, which are commonly known mechanisms for disease. The variant allele was found at a frequency of 4e-05 in 251338 control chromosomes (gnomAD). This frequency is not significantly higher than expected for a pathogenic variant in MUT causing Methylmalonic Acidemia (4e-05 vs 0.0024). c.1207C>T has been reported in the literature in several individuals affected with Methylmalonic Acidemia (e.g. Worgan_2006, Forny_2016). These data indicate that the variant is very likely to be associated with disease. These studies also reported experimental evidence evaluating an impact on protein function, and demonstrated the variant results in <10% of normal activity (Worgan_2006, Forny_2016). Two clinical diagnostic laboratories have submitted clinical-significance assessments for this variant to ClinVar after 2014 without evidence for independent evaluation, and both of them classified the variant as pathogenic. Based on the evidence outlined above, the variant was classified as pathogenic.

Laboratory for Molecular Medicine, Mass General Brigham Personalized Medicine
Classification: Pathogenic for Methylmalonic aciduria due to methylmalonyl-CoA mutase deficiency. Last evaluated: 2014-12-22. Review status: criteria provided, single submitter. Criteria: LMM Criteria. Collection method: clinical testing. Allele origin: germline. Inheritance: Autosomal recessive inheritance. Observed: 1 variant allele. Study: CSER-MedSeq.
Comment: The p.Arg403X variant in MUT has been reported in 1 individual with clinical features of methylmalonic acidemia and no enzyme activity, though a second allele was not identified (Peters 2002). This variant has also been identified in 1/67564 of European chromosomes by the Exome Aggregation Consortium (ExAC). Animal models in mice have shown that this variant causes features of the disease (Buck 2012). This nonsense variant leads to a premature termination codon at position 403, which is predicted to lead to a truncated or absent protein. Homozygous or compound heterozygous loss of function of MUT has been shown to cause methylmalonic acidemia. In summary, this variant meets our criteria to be classified as pathogenic for methylmalonic acidemia in an autosomal recessive manner.

Eurofins Ntd Llc (ga)
Classification: Pathogenic. Last evaluated: 2013-12-04. Review status: criteria provided, single submitter. Criteria: EGL Classification Definitions. Collection method: clinical testing. Allele origin: germline. Observed: 4 variant alleles, 4 heterozygotes.

Counsyl
Classification: Pathogenic for Methylmalonic aciduria due to methylmalonyl-CoA mutase deficiency. Last evaluated: 2017-02-17. Review status: no assertion criteria provided. Collection method: clinical testing. Allele origin: unknown. Not counted in ClinVar's aggregate classification.

Literature cited by the submitters: PubMed 16281286 (cited by 3 submitters); PubMed 15781192 (cited by Labcorp Genetics (formerly Invitae), Labcorp); PubMed 12402345 (cited by Labcorp Genetics (formerly Invitae), Labcorp and Laboratory for Molecular Medicine, Mass General Brigham Personalized Medicine); PubMed 17113806 (cited by Labcorp Genetics (formerly Invitae), Labcorp); PubMed 26790480 (cited by Labcorp Genetics (formerly Invitae), Labcorp); PubMed 27167370 (cited by Labcorp Genetics (formerly Invitae), Labcorp and Women's Health and Genetics/Laboratory Corporation of America, LabCorp); PubMed 27233228 (cited by Labcorp Genetics (formerly Invitae), Labcorp); PubMed 23024777 (cited by Laboratory for Molecular Medicine, Mass General Brigham Personalized Medicine and Counsyl).